The following is an entry in ClinVar:

ClinVar aggregate classification (germline): Likely benign (1 of 4 stars; one submission).

Conditions:
PCSK1-related disorder. Also called: PCSK1-related condition.

gnomAD v4.1: 16 of 1,598,916 alleles (0.001%); highest among the groups gnomAD compares: South Asian, 0.018%; no homozygotes.

Submission:

PreventionGenetics, part of Exact Sciences
Classification: Likely benign for PCSK1-related condition. Last evaluated: 2025-03-05. Review status: criteria provided, single submitter. Criteria: ACMG Guidelines, 2015. Collection method: clinical testing. Allele origin: germline.
Comment: This variant is classified as likely benign based on ACMG/AMP sequence variant interpretation guidelines (Richards et al. 2015 PMID: 25741868, with internal and published modifications).

NM_000439.5(PCSK1):c.1430+6T>C

Genes: CAST (calpastatin; plus strand), PCSK1 (proprotein convertase subtilisin/kexin type 1; minus strand), LOC101929710 (uncharacterized LOC101929710; plus strand). Cytogenetic location: 5q15.
Variant type: single nucleotide variant.
Coding change: c.1430+6T>C on transcript NM_000439.5 (MANE Select); 6 bases into the intron after coding-DNA position 1430, T replaced by C.
Molecular consequence: intron variant.
Genome position (GRCh38, 1-based): chr5:96,399,947, A>G on the plus strand (T>C on the coding strand, the complement: PCSK1 is on the minus strand). VCF-style: chr5-96399947-A-G. GRCh37 (hg19) VCF-style: chr5-95735651-A-G.
Other names: c.1289+6T>C (NM_001177875.2); c.-175+20295A>G (NM_001423254.1, NM_001423259.1, NM_001423255.1 and 6 more transcripts); c.-103+20295A>G (NM_001423253.1); c.-40+20295A>G (NM_001423258.1).
Identifiers: ClinVar variation 4998796 (VCV004998796.1).